The following is an entry in ClinVar:

ClinVar aggregate classification (germline): Uncertain significance (1 of 4 stars; one submission).

Allele frequency attached by ClinVar (database versions not stated): TOPMed below 0.00001.
gnomAD v4.1: 1 of 1,614,052 alleles (0.000062%); highest among the groups gnomAD compares: South Asian, 0.0011%; no homozygotes.

Submission:

Labcorp Genetics (formerly Invitae), Labcorp
Classification: Uncertain significance. Last evaluated: 2022-12-14. Review status: criteria provided, single submitter. Criteria: Invitae Variant Classification Sherloc (09022015). Collection method: clinical testing. Allele origin: germline.
Comment: This variant has not been reported in the literature in individuals affected with CLTC-related conditions. Advanced modeling of protein sequence and biophysical properties (such as structural, functional, and spatial information, amino acid conservation, physicochemical variation, residue mobility, and thermodynamic stability) performed at Invitae indicates that this missense variant is not expected to disrupt CLTC protein function. In summary, the available evidence is currently insufficient to determine the role of this variant in disease. Therefore, it has been classified as a Variant of Uncertain Significance. This variant is not present in population databases (gnomAD no frequency). This sequence change replaces methionine, which is neutral and non-polar, with threonine, which is neutral and polar, at codon 594 of the CLTC protein (p.Met594Thr).

NM_004859.4(CLTC):c.1769T>C (p.Met590Thr)

Gene: CLTC (clathrin heavy chain; plus strand). Cytogenetic location: 17q23.1.
Variant type: single nucleotide variant.
Coding change: c.1769T>C on transcript NM_004859.4 (MANE Select); coding-DNA position 1769, T replaced by C.
Protein change: p.Met590Thr; replaces methionine 590 with threonine.
Molecular consequence: missense variant.
Genome position (GRCh38, 1-based): chr17:59,666,227, T>C. VCF-style: chr17-59666227-T-C. GRCh37 (hg19) VCF-style: chr17-57743588-T-C.
Other names: c.1781T>C, p.Met594Thr (NM_001288653.2); short protein forms M594T, M590T.
Identifiers: ClinVar variation 2787150 (VCV002787150.3), dbSNP rs1197069990, ClinGen allele CA400427662.